The following is an entry in ClinVar:

NM_000256.3(MYBPC3):c.1124T>A (p.Val375Glu)

Gene: MYBPC3 (myosin binding protein C3; minus strand). Cytogenetic location: 11p11.2.
Variant type: single nucleotide variant.
Coding change: c.1124T>A on transcript NM_000256.3 (MANE Select); coding-DNA position 1124, T replaced by A.
Protein change: p.Val375Glu; replaces valine 375 with glutamic acid.
Molecular consequence: missense variant.
Genome position (GRCh38, 1-based): chr11:47,343,591, A>T on the plus strand (T>A on the coding strand, the complement: MYBPC3 is on the minus strand). VCF-style: chr11-47343591-A-T. GRCh37 (hg19) VCF-style: chr11-47365142-A-T.
Other names: c.1124T>A, p.Val375Glu (LRG_386t1); short protein forms V375E.
Identifiers: ClinVar variation 664059 (VCV000664059.11), dbSNP rs1420514562, ClinGen allele CA380329240.

ClinVar aggregate classification (germline): Uncertain significance. Review status: criteria provided, multiple submitters, no conflicts (2 of 4 stars). 2 submissions from 2 submitters: Uncertain significance (2). Last evaluated 2024-06-25.

Conditions:
Hypertrophic cardiomyopathy. Also called: HYPERTROPHIC MYOCARDIOPATHY. Identifiers: Orphanet 217569, MedGen C0007194, MeSH D002312, MONDO:0005045, HP:0001639.

Allele frequency attached by ClinVar (database versions not stated): TOPMed below 0.00001.

Submissions (2):

Labcorp Genetics (formerly Invitae), Labcorp
Classification: Uncertain significance for Hypertrophic cardiomyopathy. Last evaluated: 2024-06-25. Review status: criteria provided, single submitter. Criteria: Invitae Variant Classification Sherloc (09022015). Collection method: clinical testing. Allele origin: germline.
Comment: This sequence change replaces valine, which is neutral and non-polar, with glutamic acid, which is acidic and polar, at codon 375 of the MYBPC3 protein (p.Val375Glu). This variant is not present in population databases (gnomAD no frequency). This missense change has been observed in individual(s) with hypertrophic cardiomyopathy (PMID: 28658286). ClinVar contains an entry for this variant (Variation ID: 664059). An algorithm developed to predict the effect of missense changes on protein structure and function (PolyPhen-2) suggests that this variant is likely to be disruptive. In summary, the available evidence is currently insufficient to determine the role of this variant in disease. Therefore, it has been classified as a Variant of Uncertain Significance.

All of Us Research Program, National Institutes of Health
Classification: Uncertain significance for Hypertrophic cardiomyopathy. Last evaluated: 2023-04-27. Review status: criteria provided, single submitter. Criteria: ACMG Guidelines, 2015. Collection method: clinical testing. Allele origin: germline. Inheritance: Autosomal dominant inheritance. Observed: 1 variant allele, 1 heterozygote.
Comment: This study involves interpretation of variants in research participants for the purpose of population health screening. Participant phenotype was not available at the time of variant classification. Additional details can be found in publication PMID: 35346344, PMCID: PMC8962531

Literature cited by the submitters: PubMed 28658286 (cited by Labcorp Genetics (formerly Invitae), Labcorp).